The following is an entry in ClinVar:

NM_000441.2(SLC26A4):c.908_910del (p.Glu303del)

Gene: SLC26A4 (solute carrier family 26 member 4; plus strand). Cytogenetic location: 7q22.3.
Variant type: Deletion.
Coding change: c.908_910del on transcript NM_000441.2 (MANE Select); coding-DNA positions 908 to 910, 3 bases deleted (AAG; older notation c.908_910delAAG).
Protein change: p.Glu303del; deletes glutamic acid 303.
Molecular consequence: inframe deletion.
Genome position (GRCh38, 1-based): chr7:107,683,344-107,683,346, AAG deleted; deleting any 3 consecutive bases within chr7:107,683,342-107,683,346 gives the same sequence; the c. name uses the placement nearest the transcript's 3' end. VCF-style (leftmost placement, unchanged base first): chr7-107683341-TAGA-T. GRCh37 (hg19) VCF-style: chr7-107323786-TAGA-T.
Other names: short protein forms E303del.
Identifiers: ClinVar variation 2104676 (VCV002104676.4), dbSNP rs2535310325, ClinGen allele CA2580076162.

ClinVar aggregate classification (germline): Pathogenic (1 of 4 stars; one submission).

Submission:

Labcorp Genetics (formerly Invitae), Labcorp
Classification: Pathogenic. Last evaluated: 2022-02-28. Review status: criteria provided, single submitter. Criteria: Invitae Variant Classification Sherloc (09022015). Collection method: clinical testing. Allele origin: germline.
Comment: This variant, c.908_910del, results in the deletion of 1 amino acid(s) of the SLC26A4 protein (p.Glu303del), but otherwise preserves the integrity of the reading frame. For these reasons, this variant has been classified as Pathogenic. This variant disrupts a region of the SLC26A4 protein in which other variant(s) (p.Gln303Gln) have been determined to be pathogenic (PMID: 17718863, 19509082). This suggests that this is a clinically significant region of the protein, and that variants that disrupt it are likely to be disease-causing. This variant has not been reported in the literature in individuals affected with SLC26A4-related conditions. This variant is not present in population databases (gnomAD no frequency).

Literature cited by the submitters: PubMed 17718863; PubMed 19509082.